The following is an entry in ClinVar:

NM_014363.6(SACS):c.3200A>G (p.Asn1067Ser)

Gene: SACS (sacsin molecular chaperone; minus strand). Cytogenetic location: 13q12.12.
Variant type: single nucleotide variant.
Coding change: c.3200A>G on transcript NM_014363.6 (MANE Select); coding-DNA position 3200, A replaced by G.
Protein change: p.Asn1067Ser; replaces asparagine 1067 with serine.
Molecular consequence: missense variant.
Genome position (GRCh38, 1-based): chr13:23,340,676, T>C on the plus strand (A>G on the coding strand, the complement: SACS is on the minus strand). VCF-style: chr13-23340676-T-C. GRCh37 (hg19) VCF-style: chr13-23914815-T-C.
Other names: c.2759A>G, p.Asn920Ser (NM_001278055.2); c.3200A>G (NM_014363.4); short protein forms N920S, N1067S.
Identifiers: ClinVar variation 2727586 (VCV002727586.6), dbSNP rs371219067, ClinGen allele CA6911554.

ClinVar aggregate classification (germline): Conflicting classifications of pathogenicity. Review status: criteria provided, conflicting classifications (1 of 4 stars). 3 submissions from 3 submitters: Uncertain significance (2); Likely benign (1). Last evaluated 2026-07-30.

Conditions:
Spastic paraplegia. Identifiers: MedGen C0037772, HP:0001258.
Charlevoix-Saguenay spastic ataxia (SACS). Also called: SPASTIC ATAXIA 6, AUTOSOMAL RECESSIVE; AUTOSOMAL RECESSIVE SPASTIC ATAXIA OF CHARLEVOIX-SAGUENAY; Spastic ataxia of Charlevoix-Saguenay. Identifiers: Orphanet 98, MedGen C1849140, MONDO:0010041, OMIM 270550.

Allele frequency attached by ClinVar (database versions not stated): gnomAD exomes 0.00001; TOPMed 0.00001; ExAC 0.00002; gnomAD 0.00002; ESP Exome Variant Server 0.00008.
gnomAD v4.1: 11 of 1,595,186 alleles (0.00069%); highest among the groups gnomAD compares: African/African-American, 0.0027%; no homozygotes.

Submissions (3):

GeneDx
Classification: Uncertain significance. Last evaluated: 2026-07-30. Review status: criteria provided, single submitter. Criteria: GeneDx Variant Classification Process June 2021. Collection method: clinical testing. Allele origin: germline.
Comment: Not observed at significant frequency in large population cohorts (gnomAD); In silico analysis suggests that this missense variant does not alter protein structure/function; Has not been previously published as pathogenic or benign to our knowledge

Fulgent Genetics
Classification: Uncertain significance for Charlevoix-Saguenay spastic ataxia. Last evaluated: 2024-04-04. Review status: criteria provided, single submitter. Criteria: ACMG Guidelines, 2015. Collection method: clinical testing. Allele origin: germline.

Labcorp Genetics (formerly Invitae), Labcorp
Classification: Likely benign for Spastic paraplegia. Last evaluated: 2024-01-21. Review status: criteria provided, single submitter. Criteria: Invitae Variant Classification Sherloc (09022015). Collection method: clinical testing. Allele origin: germline.